The following is an entry in ClinVar:

NM_003590.5(CUL3):c.382C>T (p.Arg128Cys)

Gene: CUL3 (cullin 3; minus strand). Cytogenetic location: 2q36.2.
Variant type: single nucleotide variant.
Coding change: c.382C>T on transcript NM_003590.5 (MANE Select); coding-DNA position 382, C replaced by T.
Protein change: p.Arg128Cys; replaces arginine 128 with cysteine.
Molecular consequence: missense variant.
Genome position (GRCh38, 1-based): chr2:224,514,769, G>A on the plus strand (C>T on the coding strand, the complement: CUL3 is on the minus strand). VCF-style: chr2-224514769-G-A. GRCh37 (hg19) VCF-style: chr2-225379486-G-A.
Other names: c.184C>T, p.Arg62Cys (NM_001257197.2); c.400C>T, p.Arg134Cys (NM_001257198.2); short protein forms R128C, R134C, R62C.
Identifiers: ClinVar variation 2430748 (VCV002430748.4), dbSNP rs2106223782, ClinGen allele CA350832344.

ClinVar aggregate classification (germline): Pathogenic/Likely pathogenic. Review status: criteria provided, multiple submitters, no conflicts (2 of 4 stars). 3 submissions from 3 submitters: Pathogenic (2); Likely pathogenic (1). Last evaluated 2026-08-28.

Conditions:
Neurodevelopmental disorder with or without autism or seizures (NEDAUS). Identifiers: MedGen C5543225, MONDO:0030994, OMIM 619239.

Submissions (3):

GeneDx
Classification: Pathogenic. Last evaluated: 2026-08-28. Review status: criteria provided, single submitter. Criteria: GeneDx Variant Classification Process June 2021. Collection method: clinical testing. Allele origin: germline.
Comment: Not observed at significant frequency in large population cohorts (gnomAD); In silico analysis supports that this missense variant has a deleterious effect on protein structure/function; Has not been previously published as pathogenic or benign to our knowledge

Mendelics
Classification: Pathogenic for Neurodevelopmental disorder with or without autism or seizures. Last evaluated: 2026-03-05. Review status: criteria provided, single submitter. Criteria: ACMG Guidelines, 2015. Collection method: clinical testing. Allele origin: unknown.
Comment: Likely pathogenic/Pathogenic according to ACMG criteria.

Pittsburgh Clinical Genomics Laboratory, University of Pittsburgh Medical Center
Classification: Likely pathogenic for Neurodevelopmental disorder with or without autism or seizures. Last evaluated: 2024-03-22. Review status: criteria provided, single submitter. Criteria: ACMG Guidelines, 2015. Collection method: clinical testing. Allele origin: germline. Inheritance: Autosomal dominant inheritance. Affected: yes.
Comment: This sequence variant is a single nucleotide substitution (C>T) at position 382 of the coding sequence of the CUL3 gene that results in an arginine to cysteine amino acid change at residue 128 of the cullin 3 protein. This is a previously reported variant (ClinVar 2430748) that has not been observed in the literature in individuals affected by CUL3-related disease, to our knowledge; however, it has been observed as a de novo variant in at least two affected individuals (GeneDX). This variant is absent from the gnomAD v4.0.0 population database (0/~1589000 alleles). Multiple bioinformatic tools predict that this amino acid change would be damaging, and the Arg128 residue at this position is highly conserved across the vertebrate species examined. Studies examining the functional consequence of this variant have not been performed, to our knowledge. Based upon the evidence, we consider this variant to be likely pathogenic. ACMG Criteria: PM2, PP3, PS2